The following is an entry in ClinVar:

NM_003384.3(VRK1):c.830G>A (p.Arg277Lys)

Gene: VRK1 (VRK serine/threonine kinase 1; plus strand). Cytogenetic location: 14q32.2.
Variant type: single nucleotide variant.
Coding change: c.830G>A on transcript NM_003384.3 (MANE Select); coding-DNA position 830, G replaced by A.
Protein change: p.Arg277Lys; replaces arginine 277 with lysine.
Molecular consequence: missense variant.
Genome position (GRCh38, 1-based): chr14:96,856,250, G>A. VCF-style: chr14-96856250-G-A. GRCh37 (hg19) VCF-style: chr14-97322587-G-A.
Other names: short protein forms R277K.
Identifiers: ClinVar variation 990858 (VCV000990858.3), dbSNP rs1888148684, ClinGen allele CA390931633.

ClinVar aggregate classification (germline): Uncertain significance. Review status: criteria provided, single submitter (1 of 4 stars). 2 submissions from 2 submitters: Uncertain significance (1). 1 of the submissions does not count toward it. Last evaluated 2025-11-07.

Conditions:
Congenital pontocerebellar hypoplasia type 1. Also called: Pontocerebellar hypoplasia type 1. Identifiers: Orphanet 2254, MedGen C5442006, MONDO:0016396.

Submissions (2):

Women's Health and Genetics/Laboratory Corporation of America, LabCorp
Classification: Uncertain significance. Last evaluated: 2025-11-07. Review status: criteria provided, single submitter. Criteria: LabCorp Variant Classification Summary - May 2015. Collection method: clinical testing. Allele origin: germline.
Comment: Variant summary: VRK1 c.830G>A (p.Arg277Lys) results in a conservative amino acid change in the encoded protein sequence. Algorithms developed to predict the effect of missense changes on protein structure and function are either unavailable or do not agree on the potential impact of this missense change. Several computational tools predict a significant impact on normal splicing: Three predict the variant abolishes the canonical intron 9, 5' splicing donor site. However, these predictions have yet to be confirmed by functional studies. The variant was absent in 250016 control chromosomes. The available data on variant occurrences in the general population are insufficient to allow any conclusion about variant significance. To our knowledge, no occurrence of c.830G>A in individuals affected with VRK1-related conditions and no experimental evidence demonstrating its impact on protein function have been reported. ClinVar contains an entry for this variant (Variation ID: 990858). Based on the evidence outlined above, the variant was classified as uncertain significance.

Natera, Inc.
Classification: Uncertain significance for Pontocerebellar hypoplasia type 1. Last evaluated: 2020-08-14. Review status: no assertion criteria provided. Collection method: clinical testing. Allele origin: germline. Not counted in ClinVar's aggregate classification.